The following is an entry in ClinVar:

ClinVar aggregate classification (germline): Uncertain significance. Review status: criteria provided, multiple submitters, no conflicts (2 of 4 stars). 2 submissions from 2 submitters: Uncertain significance (2). Last evaluated 2025-09-07.

Conditions:
Hereditary cancer-predisposing syndrome. Also called: Neoplastic Syndromes, Hereditary; Tumor predisposition; Hereditary Cancer Syndrome; Hereditary neoplastic syndrome. Identifiers: Orphanet 140162, MedGen C0027672, MeSH D009386, MONDO:0015356.

Submissions (2):

Ambry Genetics
Classification: Uncertain significance for Hereditary cancer-predisposing syndrome. Last evaluated: 2025-09-07. Review status: criteria provided, single submitter. Criteria: Ambry Variant Classification Scheme 2023. Collection method: clinical testing. Allele origin: germline.
Comment: The p.D887Y variant (also known as c.2659G>T), located in coding exon 20 of the MSH3 gene, results from a G to T substitution at nucleotide position 2659. The aspartic acid at codon 887 is replaced by tyrosine, an amino acid with highly dissimilar properties. This amino acid position is conserved. In addition, the in silico prediction for this alteration is inconclusive. Based on the available evidence, the clinical significance of this variant remains unclear.

Labcorp Genetics (formerly Invitae), Labcorp
Classification: Uncertain significance. Last evaluated: 2022-11-23. Review status: criteria provided, single submitter. Criteria: Invitae Variant Classification Sherloc (09022015). Collection method: clinical testing. Allele origin: germline.
Comment: In summary, the available evidence is currently insufficient to determine the role of this variant in disease. Therefore, it has been classified as a Variant of Uncertain Significance. Algorithms developed to predict the effect of missense changes on protein structure and function are either unavailable or do not agree on the potential impact of this missense change (SIFT: "Deleterious"; PolyPhen-2: "Possibly Damaging"; Align-GVGD: "Class C0"). This variant has not been reported in the literature in individuals affected with MSH3-related conditions. This variant is not present in population databases (gnomAD no frequency). This sequence change replaces aspartic acid, which is acidic and polar, with tyrosine, which is neutral and polar, at codon 887 of the MSH3 protein (p.Asp887Tyr).

NM_002439.5(MSH3):c.2659G>T (p.Asp887Tyr)

Gene: MSH3 (mutS homolog 3; plus strand). Cytogenetic location: 5q14.1.
Variant type: single nucleotide variant.
Coding change: c.2659G>T on transcript NM_002439.5 (MANE Select); coding-DNA position 2659, G replaced by T.
Protein change: p.Asp887Tyr; replaces aspartic acid 887 with tyrosine.
Molecular consequence: missense variant.
Genome position (GRCh38, 1-based): chr5:80,813,587, G>T. VCF-style: chr5-80813587-G-T. GRCh37 (hg19) VCF-style: chr5-80109406-G-T.
Other names: c.2659G>T (NM_002439.3); short protein forms D887Y.
Identifiers: ClinVar variation 2815756 (VCV002815756.4), dbSNP rs546532182, ClinGen allele CA360273807.
Genomic context (GRCh38, chr5:80,813,587, plus strand): 5'-TGGATATTATCAAAAACTTTTCTGGTACAATAAGTGAAATTCCTTTCTAATTTTCAGGAG[G>T]ACTCAGAGAGAGTAATGATAATTACCGGACCAAACATGGGTGGAAAGAGCTCCTACATAA-3'
Protein context (NP_002430.3, residues 877-897): YVPNNTDLSE[Asp887Tyr]SERVMIITGP